The following is an entry in ClinVar:

NM_203447.4(DOCK8):c.2296G>A (p.Glu766Lys)

Gene: DOCK8 (dedicator of cytokinesis 8; plus strand). Cytogenetic location: 9p24.3.
Variant type: single nucleotide variant.
Coding change: c.2296G>A on transcript NM_203447.4 (MANE Select); coding-DNA position 2296, G replaced by A.
Protein change: p.Glu766Lys; replaces glutamic acid 766 with lysine.
Molecular consequence: missense variant.
Genome position (GRCh38, 1-based): chr9:377,067, G>A. VCF-style: chr9-377067-G-A. GRCh37 (hg19) VCF-style: chr9-377067-G-A.
Other names: c.2092G>A, p.Glu698Lys (NM_001190458.2, NM_001193536.2); short protein forms E766K, E698K.
Identifiers: ClinVar variation 77679 (VCV000077679.47), dbSNP rs267602235, ClinGen allele CA4958158.

ClinVar aggregate classification (germline): Uncertain significance. Review status: criteria provided, multiple submitters, no conflicts (2 of 4 stars). 5 submissions from 5 submitters: Uncertain significance (5). Last evaluated 2024-11-18.

Conditions:
Hyper-IgE recurrent infection syndrome 3, autosomal recessive. Also called: HYPER-IgE SYNDROME 3, AUTOSOMAL RECESSIVE, WITH RECURRENT INFECTIONS; Autosomal recessive hyper-IgE syndrome due to ZNF341 deficiency. Identifiers: Orphanet 641368, MedGen C4748969, MONDO:0032654, OMIM 618282.
Combined immunodeficiency due to DOCK8 deficiency (HIES2). Also called: HYPER-IgE SYNDROME 2, AUTOSOMAL RECESSIVE, WITH RECURRENT INFECTIONS; HYPER-IgE RECURRENT INFECTION SYNDROME 2, AUTOSOMAL RECESSIVE; DOCK8 Deficiency; HIES autosomal recessive; Hyper-IgE recurrent infection syndrome, autosomal recessive. Identifiers: Orphanet 217390, MedGen C4722305, MONDO:0009478, OMIM 243700.

Allele frequency attached by ClinVar (database versions not stated): ExAC 0.00004; gnomAD exomes 0.00005; gnomAD 0.00006; TOPMed 0.00007; ESP Exome Variant Server 0.00008.
gnomAD v4.1: 180 of 1,613,316 alleles (0.011%); highest among the groups gnomAD compares: Non-Finnish European, 0.014%; no homozygotes.

Submissions (5):

Blueprint Genetics
Classification: Uncertain significance. Last evaluated: 2024-11-18. Review status: criteria provided, single submitter. Criteria: ACMG Guidelines, 2015. Collection method: clinical testing. Allele origin: germline.

Labcorp Genetics (formerly Invitae), Labcorp
Classification: Uncertain significance for Combined immunodeficiency due to DOCK8 deficiency. Last evaluated: 2023-12-19. Review status: criteria provided, single submitter. Criteria: Invitae Variant Classification Sherloc (09022015). Collection method: clinical testing. Allele origin: germline.
Comment: This sequence change replaces glutamic acid, which is acidic and polar, with lysine, which is basic and polar, at codon 766 of the DOCK8 protein (p.Glu766Lys). This variant is present in population databases (rs267602235, gnomAD 0.01%). This variant has not been reported in the literature in individuals affected with DOCK8-related conditions. ClinVar contains an entry for this variant (Variation ID: 77679). Advanced modeling of protein sequence and biophysical properties (such as structural, functional, and spatial information, amino acid conservation, physicochemical variation, residue mobility, and thermodynamic stability) performed at Invitae indicates that this missense variant is expected to disrupt DOCK8 protein function with a positive predictive value of 80%. In summary, the available evidence is currently insufficient to determine the role of this variant in disease. Therefore, it has been classified as a Variant of Uncertain Significance.

CeGaT Center for Human Genetics Tuebingen
Classification: Uncertain significance. Last evaluated: 2022-06-01. Review status: criteria provided, single submitter. Criteria: CeGaT Center For Human Genetics Tuebingen Variant Classification Criteria Version 2. Collection method: clinical testing. Allele origin: germline. Affected: yes. Observed: 1 variant allele.
Comment: DOCK8: PM2

Genetic Services Laboratory, University of Chicago
Classification: Uncertain significance. Last evaluated: 2021-05-25. Review status: criteria provided, single submitter. Criteria: ACMG Guidelines, 2015. Collection method: clinical testing. Allele origin: germline. Affected: no.
Comment: DNA sequence analysis of the DOCK8 gene demonstrated a sequence change, c.2296G>A, in exon 20 that results in an amino acid change, p.Glu766Lys. This sequence change has been described in the gnomAD database with a frequency of 0.011% in the European (Non-Finnish) subpopulation (dbSNP rs267602235). In-silico pathogenicity prediction tools (SIFT, PolyPhen2, Align GVGD, REVEL) provide contradictory results for the p.Glu766Lys substitution. The p.Glu766Lys change affects a highly conserved amino acid residue located in a domain of the DOCK8 protein that is not known to be functional. This sequence change does not appear to have been previously described in patients with DOCK8-related disorders. Due to insufficient evidences and the lack of functional studies, the clinical significance of the p.Glu766Lys change remains unknown at this time

Illumina Laboratory Services, Illumina
Classification: Uncertain significance for Combined immunodeficiency due to DOCK8 deficiency. Last evaluated: 2018-01-12. Review status: criteria provided, single submitter. Criteria: ICSL Variant Classification Criteria 13 December 2019. Collection method: clinical testing. Allele origin: germline.